The following is an entry in ClinVar:

NM_001148.6(ANK2):c.5716C>G (p.Pro1906Ala)

Genes: ANK2 (ankyrin 2; plus strand), LOC126807136 (MED14-independent group 3 enhancer GRCh37_chr4:114274931-114276130; plus strand). Cytogenetic location: 4q26.
Variant type: single nucleotide variant.
Coding change: c.5716C>G on transcript NM_001148.6 (MANE Select); coding-DNA position 5716, C replaced by G.
Protein change: p.Pro1906Ala; replaces proline 1906 with alanine.
Molecular consequence: missense variant. On other transcripts: intron variant (68).
Genome position (GRCh38, 1-based): chr4:113,354,334, C>G. VCF-style: chr4-113354334-C-G. GRCh37 (hg19) VCF-style: chr4-114275490-C-G.
Other names: c.5482C>G, p.Pro1828Ala (NM_001386142.1); c.2116C>G, p.Pro706Ala (NM_001386166.1); c.5857C>G, p.Pro1953Ala (NM_001386174.1); c.5833C>G, p.Pro1945Ala (NM_001386175.1); c.4411+4085C>G (NM_001386186.2, NM_001386148.2); c.4213+4085C>G (NM_001354269.3); c.4291+4085C>G (NM_001386187.2); c.4252+4085C>G (NM_001386147.1); and 35 more; short protein forms P1828A, P1906A, P1945A, P1953A, P706A.
Identifiers: ClinVar variation 1749262 (VCV001749262.2), dbSNP rs1044124247, ClinGen allele CA103812616.

ClinVar aggregate classification (germline): Uncertain significance (1 of 4 stars; one submission).

Conditions:
Cardiovascular phenotype. Identifiers: MedGen CN230736.

Allele frequency attached by ClinVar (database versions not stated): gnomAD exomes 0.00001; TOPMed 0.00001.
gnomAD v4.1: 19 of 1,614,124 alleles (0.0012%); highest among the groups gnomAD compares: Non-Finnish European, 0.0016%; no homozygotes.

Submission:

Ambry Genetics
Classification: Uncertain significance for Cardiovascular phenotype. Last evaluated: 2022-01-26. Review status: criteria provided, single submitter. Criteria: Ambry Variant Classification Scheme 2023. Collection method: clinical testing. Allele origin: germline.
Comment: The p.P1906A variant (also known as c.5716C>G), located in coding exon 38 of the ANK2 gene, results from a C to G substitution at nucleotide position 5716. The proline at codon 1906 is replaced by alanine, an amino acid with highly similar properties. This amino acid position is conserved. In addition, this alteration is predicted to be tolerated by in silico analysis. Since supporting evidence is limited at this time, the clinical significance of this alteration remains unclear.